The following is an entry in ClinVar:

NM_021729.6(VPS11):c.331C>T (p.Pro111Ser)

Gene: VPS11 (VPS11 core subunit of CORVET and HOPS complexes; plus strand). Cytogenetic location: 11q23.3.
Variant type: single nucleotide variant.
Coding change: c.331C>T on transcript NM_021729.6 (MANE Select); coding-DNA position 331, C replaced by T.
Protein change: p.Pro111Ser; replaces proline 111 with serine.
Molecular consequence: missense variant. On other transcripts: non-coding transcript variant (8).
Genome position (GRCh38, 1-based): chr11:119,069,339, C>T. VCF-style: chr11-119069339-C-T. GRCh37 (hg19) VCF-style: chr11-118940049-C-T.
Other names: c.301C>T, p.Pro101Ser (NM_001290185.2, NM_001378221.1); c.331C>T, p.Pro111Ser (NM_001378218.1, NM_001378219.1, NM_001378220.1); short protein forms P101S, P111S.
Identifiers: ClinVar variation 2237744 (VCV002237744.2), dbSNP rs2497275022, ClinGen allele CA382962246.

ClinVar aggregate classification (germline): Uncertain significance (1 of 4 stars; one submission).

Conditions:
Inborn genetic diseases. Identifiers: MedGen C0950123, MeSH D030342.

Submission:

Ambry Genetics
Classification: Uncertain significance for Inborn genetic diseases. Last evaluated: 2021-08-02. Review status: criteria provided, single submitter. Criteria: Ambry Variant Classification Scheme 2023. Collection method: clinical testing. Allele origin: germline.
Comment: The c.336-5C>T intronic alteration consists of a C to T substitution 5 nucleotides before coding exon <NA> in the VPS11 gene. Based on insufficient or conflicting evidence, the clinical significance of this alteration remains unclear.